The following is an entry in ClinVar:

ClinVar aggregate classification (germline): Uncertain significance (1 of 4 stars; one submission).

Allele frequency attached by ClinVar (database versions not stated): gnomAD exomes 0.00001 and 0.00002.
gnomAD v4.1: 11 of 700,410 alleles (0.0016%); highest among the groups gnomAD compares: East Asian, 0.0027%; no homozygotes.

Submission:

Labcorp Genetics (formerly Invitae), Labcorp
Classification: Uncertain significance. Last evaluated: 2022-08-01. Review status: criteria provided, single submitter. Criteria: Invitae Variant Classification Sherloc (09022015). Collection method: clinical testing. Allele origin: germline.
Comment: This variant occurs in the RNU4ATAC gene, which encodes an RNA molecule that does not result in a protein product. This variant is present in population databases (no rsID available, gnomAD 0.002%). This variant has not been reported in the literature in individuals affected with RNU4ATAC-related conditions. ClinVar contains an entry for this variant (Variation ID: 1438181). Experimental studies and prediction algorithms are not available or were not evaluated, and the functional significance of this variant is currently unknown. In summary, the available evidence is currently insufficient to determine the role of this variant in disease. Therefore, it has been classified as a Variant of Uncertain Significance.

NC_000002.12:g.121530956A>C

Genes: CLASP1 (cytoplasmic linker associated protein 1; minus strand), CLASP1-AS1 (CLASP1 antisense RNA 1; plus strand), RNU4ATAC (RNA, U4atac small nuclear; plus strand). Cytogenetic location: 2q14.2.
Variant type: single nucleotide variant.
Molecular consequence: intron variant (on NM_001395891.1).
Genome position: GRCh38 VCF-style: chr2-121530956-A-C. GRCh37 (hg19) VCF-style: chr2-122288532-A-C.
Other names: c.196-631T>G (NM_001142274.2, NM_015282.3, NM_001378003.1 and 5 more transcripts).
Identifiers: ClinVar variation 1438181 (VCV001438181.3), dbSNP rs1408741205, ClinGen allele CA428888048.